The following is an entry in ClinVar:

ClinVar aggregate classification (germline): Uncertain significance (1 of 4 stars; one submission).

Conditions:
PLXNA4-related disorder. Also called: PLXNA4-related condition.

gnomAD v4.1: 1 of 1,613,248 alleles (0.000062%); highest among the groups gnomAD compares: African/African-American, 0.0013%; no homozygotes.

Submission:

PreventionGenetics, part of Exact Sciences
Classification: Uncertain significance for PLXNA4-related condition. Last evaluated: 2025-02-22. Review status: criteria provided, single submitter. Criteria: ACMG Guidelines, 2015. Collection method: clinical testing. Allele origin: germline.
Comment: The PLXNA4 c.3429G>A variant is not predicted to result in an amino acid change (p.=). This variant is predicted to alter splicing based on available splicing prediction programs (SpliceAI, Jaganathan et al. 2019. PubMed ID: 30661751). However, the use of computer prediction programs is not equivalent to functional evidence. To our knowledge, this variant has not been reported in the literature or in a large population database (gnomAD), indicating this variant is rare. At this time, the clinical significance of this variant is uncertain due to the absence of conclusive functional and genetic evidence.

NM_020911.2(PLXNA4):c.3429G>A (p.Val1143=)

Gene: PLXNA4 (plexin A4; minus strand). Cytogenetic location: 7q32.3.
Variant type: single nucleotide variant.
Coding change: c.3429G>A on transcript NM_020911.2 (MANE Select); coding-DNA position 3429, G replaced by A.
Protein change: p.Val1143=; no amino-acid change (valine 1143 retained).
Molecular consequence: synonymous variant.
Genome position (GRCh38, 1-based): chr7:132,181,444, C>T on the plus strand (G>A on the coding strand, the complement: PLXNA4 is on the minus strand). VCF-style: chr7-132181444-C-T. GRCh37 (hg19) VCF-style: chr7-131866203-C-T.
Other names: c.3429G>A, p.Val1143= (NM_001393897.1).
Identifiers: ClinVar variation 4999227 (VCV004999227.1).